The following is an entry in ClinVar:

ClinVar aggregate classification (germline): Likely pathogenic (1 of 4 stars; one submission).

Conditions:
Mitochondrial complex II deficiency, nuclear type 1. Also called: SUCCINATE CoQ REDUCTASE DEFICIENCY. Identifiers: Orphanet 3208, MedGen C5700310, MONDO:0100294, OMIM 252011.
Pheochromocytoma/paraganglioma syndrome 5. Also called: Paragangliomas 5; SDHA-Related Hereditary Paraganglioma-Pheochromocytoma Syndrome. Identifiers: Orphanet 29072, MedGen C3279992, MONDO:0013602, OMIM 614165.

Submission:

Labcorp Genetics (formerly Invitae), Labcorp
Classification: Likely pathogenic for Pheochromocytoma/paraganglioma syndrome 5; Mitochondrial complex II deficiency, nuclear type 1. Last evaluated: 2025-03-15. Review status: criteria provided, single submitter. Criteria: Invitae Variant Classification Sherloc (09022015). Collection method: clinical testing. Allele origin: germline.
Comment: This sequence change affects a donor splice site in intron 6 of the SDHA gene. It is expected to disrupt RNA splicing. Variants that disrupt the donor or acceptor splice site typically lead to a loss of protein function (PMID: 16199547), and loss-of-function variants in SDHA are known to be pathogenic (PMID: 22974104, 24781757). This variant is not present in population databases (gnomAD no frequency). This variant has not been reported in the literature in individuals affected with SDHA-related conditions. Algorithms developed to predict the effect of sequence changes on RNA splicing suggest that this variant may disrupt the consensus splice site. In summary, the currently available evidence indicates that the variant is pathogenic, but additional data are needed to prove that conclusively. Therefore, this variant has been classified as Likely Pathogenic.

Literature cited by the submitters: PubMed 16199547; PubMed 22974104; PubMed 24781757.

NM_004168.4(SDHA):c.770+2T>C

Gene: SDHA (succinate dehydrogenase complex flavoprotein subunit A; plus strand). Cytogenetic location: 5p15.33.
Variant type: single nucleotide variant.
Coding change: c.770+2T>C on transcript NM_004168.4 (MANE Select); the canonical splice donor site of the intron after coding-DNA position 770, T replaced by C.
Molecular consequence: splice donor variant.
Genome position (GRCh38, 1-based): chr5:228,335, T>C. VCF-style: chr5-228335-T-C. GRCh37 (hg19) VCF-style: chr5-228450-T-C.
Other names: c.770+2T>C (NM_001330758.2); c.626+2T>C (NM_001294332.2).
Identifiers: ClinVar variation 4784439 (VCV004784439.1).